The following is an entry in ClinVar:

NM_000081.4(LYST):c.2058G>C (p.Leu686Phe)

Gene: LYST (lysosomal trafficking regulator; minus strand). Cytogenetic location: 1q42.3.
Variant type: single nucleotide variant.
Coding change: c.2058G>C on transcript NM_000081.4 (MANE Select); coding-DNA position 2058, G replaced by C.
Protein change: p.Leu686Phe; replaces leucine 686 with phenylalanine.
Molecular consequence: missense variant.
Genome position (GRCh38, 1-based): chr1:235,808,760, C>G on the plus strand (G>C on the coding strand, the complement: LYST is on the minus strand). VCF-style: chr1-235808760-C-G. GRCh37 (hg19) VCF-style: chr1-235972060-C-G.
Other names: c.2058G>C, p.Leu686Phe (NM_001301365.1); short protein forms L686F.
Identifiers: ClinVar variation 2629069 (VCV002629069.2), dbSNP rs1442133374, ClinGen allele CA344959527.

ClinVar aggregate classification (germline): Uncertain significance. Review status: criteria provided, multiple submitters, no conflicts (2 of 4 stars). 2 submissions from 2 submitters: Uncertain significance (2). Last evaluated 2025-07-04.

Conditions:
LYST-related disorder. Also called: LYST-related condition.
Chédiak-Higashi syndrome (CHS). Also called: Chediak-Higashi Syndrome. Identifiers: Orphanet 167, MedGen C0007965, MONDO:0008963, OMIM 214500.

Allele frequency attached by ClinVar (database versions not stated): gnomAD 0.00001.
gnomAD v4.1: 4 of 1,613,858 alleles (0.00025%); highest among the groups gnomAD compares: Non-Finnish European, 0.00034%; no homozygotes.

Submissions (2):

Labcorp Genetics (formerly Invitae), Labcorp
Classification: Uncertain significance for Chédiak-Higashi syndrome. Last evaluated: 2025-07-04. Review status: criteria provided, single submitter. Criteria: Invitae Variant Classification Sherloc (09022015). Collection method: clinical testing. Allele origin: germline.
Comment: This sequence change replaces leucine, which is neutral and non-polar, with phenylalanine, which is neutral and non-polar, at codon 686 of the LYST protein (p.Leu686Phe). This variant is present in population databases (no rsID available, gnomAD 0.002%). This variant has not been reported in the literature in individuals affected with LYST-related conditions. ClinVar contains an entry for this variant (Variation ID: 2629069). Invitae Evidence Modeling of protein sequence and biophysical properties (such as structural, functional, and spatial information, amino acid conservation, physicochemical variation, residue mobility, and thermodynamic stability) indicates that this missense variant is not expected to disrupt LYST protein function with a negative predictive value of 80%. In summary, the available evidence is currently insufficient to determine the role of this variant in disease. Therefore, it has been classified as a Variant of Uncertain Significance.

PreventionGenetics, part of Exact Sciences
Classification: Uncertain significance for LYST-related condition. Last evaluated: 2023-01-03. Review status: criteria provided, single submitter. Criteria: ACMG Guidelines, 2015. Collection method: clinical testing. Allele origin: germline.
Comment: The LYST c.2058G>C variant is predicted to result in the amino acid substitution p.Leu686Phe. To our knowledge, this variant has not been reported in the literature. This variant is reported in 0.0016% of alleles in individuals of European (Non-Finnish) descent in gnomAD. At this time, the clinical significance of this variant is uncertain due to the absence of conclusive functional and genetic evidence.